The following is an entry in ClinVar:

NM_004525.3(LRP2):c.10057G>A (p.Gly3353Arg)

Gene: LRP2 (LDL receptor related protein 2; minus strand). Cytogenetic location: 2q31.1.
Variant type: single nucleotide variant.
Coding change: c.10057G>A on transcript NM_004525.3 (MANE Select); coding-DNA position 10057, G replaced by A.
Protein change: p.Gly3353Arg; replaces glycine 3353 with arginine.
Molecular consequence: missense variant.
Genome position (GRCh38, 1-based): chr2:169,181,560, C>T on the plus strand (G>A on the coding strand, the complement: LRP2 is on the minus strand). VCF-style: chr2-169181560-C-T. GRCh37 (hg19) VCF-style: chr2-170038070-C-T.
Other names: short protein forms G3353R.
Identifiers: ClinVar variation 1488900 (VCV001488900.6), dbSNP rs2105294583, ClinGen allele CA349151198.
Genomic context (GRCh38, chr2:169,181,560, plus strand): 5'-CAATGGTGATGCCATTAGGCCACTCTAACTTGGTGGAGATTATCACAGACTTGTTGGTTC[C>T]ATCCATGCCTACTCTCCCAATGTATGCGCGGTGACCCCAGTCTGCCCAGTAGAGGTACCT-3'
Protein context (NP_004516.2, residues 3343-3363): RAYIGRVGMD[Gly3353Arg]TNKSVIISTK

ClinVar aggregate classification (germline): Uncertain significance (1 of 4 stars; one submission).

Submission:

Labcorp Genetics (formerly Invitae), Labcorp
Classification: Uncertain significance. Last evaluated: 2021-11-14. Review status: criteria provided, single submitter. Criteria: Invitae Variant Classification Sherloc (09022015). Collection method: clinical testing. Allele origin: germline.
Comment: Advanced modeling of protein sequence and biophysical properties (such as structural, functional, and spatial information, amino acid conservation, physicochemical variation, residue mobility, and thermodynamic stability) performed at Invitae indicates that this missense variant is expected to disrupt LRP2 protein function. This variant has not been reported in the literature in individuals affected with LRP2-related conditions. This variant is not present in population databases (gnomAD no frequency). This sequence change replaces glycine, which is neutral and non-polar, with arginine, which is basic and polar, at codon 3353 of the LRP2 protein (p.Gly3353Arg). In summary, the available evidence is currently insufficient to determine the role of this variant in disease. Therefore, it has been classified as a Variant of Uncertain Significance.